The following is an entry in ClinVar:

ClinVar aggregate classification (germline): Likely pathogenic (1 of 4 stars; one submission).

Conditions:
Finnish congenital nephrotic syndrome (NPHS1). Also called: NEPHROTIC SYNDROME, TYPE 1. Identifiers: Orphanet 839, MedGen C0403399, MONDO:0009732, OMIM 256300.

Submission:

Otogenetics
Classification: Likely pathogenic for Finnish congenital nephrotic syndrome. Last evaluated: 2026-07-21. Review status: criteria provided, single submitter. Criteria: ACMG Guidelines, 2015. Collection method: clinical testing. Allele origin: germline.
Comment: PVS1: Null variant occurring in a canonical splice site (acceptor site) in gene with loss of function as mechanism of disease, disrupting the reading frame and predicted to undergo NMD; PM2: Variant not observed in gnomAD (<0.123% threshold)

NM_004646.4(NPHS1):c.713-2_734del

Gene: NPHS1 (NPHS1 adhesion molecule, nephrin; minus strand). Cytogenetic location: 19q13.12.
Variant type: Deletion.
Coding change: c.713-2_734del on transcript NM_004646.4 (MANE Select); the canonical splice acceptor site of the intron before coding-DNA position 713 through coding-DNA position 734, 24 bases deleted (AGTCCCTCCAGGACCCCCTGTCAT).
Molecular consequence: splice acceptor variant.
Genome position (GRCh38, 1-based): chr19:35,849,342-35,849,365, ATGACAGGGGGTCCTGGAGGGACT deleted on the plus strand (AGTCCCTCCAGGACCCCCTGTCAT on the coding strand, the reverse complement: NPHS1 is on the minus strand). VCF-style (leftmost placement, unchanged base first): chr19-35849341-GATGACAGGGGGTCCTGGAGGGACT-G. GRCh37 (hg19) VCF-style: chr19-36340243-GATGACAGGGGGTCCTGGAGGGACT-G.
Identifiers: ClinVar variation 4888442 (VCV004888442.1).
Genomic context (GRCh38, chr19:35,849,341, plus strand): 5'-GCACGGCAGCTCCAAGCTCTGTCCTGCCCGCACGTGCCCCTCATCCAGGCCTGGCCACTC[GATGACAGGGGGTCCTGGAGGGACT>G]GGGGGATATCAGTCACTCAGTGGGCCTGGAGTAGCCCATCCACTCTTTCCAGGCCCCACA-3'